The following is an entry in ClinVar:

NM_000719.7(CACNA1C):c.3959A>G (p.Asn1320Ser)

Gene: CACNA1C (calcium voltage-gated channel subunit alpha1 C; plus strand). Cytogenetic location: 12p13.33.
Variant type: single nucleotide variant.
Coding change: c.3959A>G on transcript NM_000719.7 (MANE Select); coding-DNA position 3959, A replaced by G.
Protein change: p.Asn1320Ser; replaces asparagine 1320 with serine.
Molecular consequence: missense variant.
Genome position (GRCh38, 1-based): chr12:2,651,653, A>G. VCF-style: chr12-2651653-A-G. GRCh37 (hg19) VCF-style: chr12-2760819-A-G.
Other names: c.4019A>G, p.Asn1340Ser (NM_001129832.2); c.3959A>G, p.Asn1320Ser (NM_001129833.2, NM_001129834.2, NM_001129835.2 and 7 more transcripts); c.4010A>G, p.Asn1337Ser (NM_001129836.2); c.3926A>G, p.Asn1309Ser (NM_001129837.2, NM_001129838.2, NM_001129846.2 and 1 more transcripts); c.3920A>G, p.Asn1307Ser (NM_001129839.2); c.4103A>G, p.Asn1368Ser (NM_001129827.2, NM_199460.4); c.4025A>G, p.Asn1342Ser (NM_001129829.2); c.4043A>G, p.Asn1348Ser (NM_001129831.2); and 1 more; short protein forms N1337S, N1368S, N1307S, N1309S, N1320S, N1342S, N1317S, N1340S.
Identifiers: ClinVar variation 3262707 (VCV003262707.3).

ClinVar aggregate classification (germline): Uncertain significance. Review status: criteria provided, multiple submitters, no conflicts (2 of 4 stars). 2 submissions from 2 submitters: Uncertain significance (2). Last evaluated 2024-10-12.

Conditions:
Cardiovascular phenotype. Identifiers: MedGen CN230736.
Long QT syndrome (LQTS). Identifiers: MedGen C0023976, MeSH D008133, MONDO:0002442. Disease mechanism: loss of function. Inheritance: Various modes of inheritance.

gnomAD v4.1: 3 of 1,611,532 alleles (0.00019%); highest among the groups gnomAD compares: Non-Finnish European, 0.00025%; no homozygotes.

Submissions (2):

Labcorp Genetics (formerly Invitae), Labcorp
Classification: Uncertain significance for Long QT syndrome. Last evaluated: 2024-10-12. Review status: criteria provided, single submitter. Criteria: Invitae Variant Classification Sherloc (09022015). Collection method: clinical testing. Allele origin: germline.
Comment: This sequence change replaces asparagine, which is neutral and polar, with serine, which is neutral and polar, at codon 1320 of the CACNA1C protein (p.Asn1320Ser). This variant is not present in population databases (gnomAD no frequency). This variant has not been reported in the literature in individuals affected with CACNA1C-related conditions. Invitae Evidence Modeling of protein sequence and biophysical properties (such as structural, functional, and spatial information, amino acid conservation, physicochemical variation, residue mobility, and thermodynamic stability) indicates that this missense variant is not expected to disrupt CACNA1C protein function with a negative predictive value of 95%. In summary, the available evidence is currently insufficient to determine the role of this variant in disease. Therefore, it has been classified as a Variant of Uncertain Significance.

Ambry Genetics
Classification: Uncertain significance for Cardiovascular phenotype. Last evaluated: 2024-06-07. Review status: criteria provided, single submitter. Criteria: Ambry Variant Classification Scheme 2023. Collection method: clinical testing. Allele origin: germline.
Comment: The p.N1320S variant (also known as c.3959A>G), located in coding exon 32 of the CACNA1C gene, results from an A to G substitution at nucleotide position 3959. The asparagine at codon 1320 is replaced by serine, an amino acid with highly similar properties. This amino acid position is highly conserved in available vertebrate species. In addition, the in silico prediction for this alteration is inconclusive. Based on the available evidence, the clinical significance of this variant remains unclear.